The following is an entry in ClinVar:

NM_001386795.1(DTNA):c.1424C>T (p.Ser475Phe)

Gene: DTNA (dystrobrevin alpha; plus strand). Cytogenetic location: 18q12.1.
Variant type: single nucleotide variant.
Coding change: c.1424C>T on transcript NM_001386795.1 (MANE Select); coding-DNA position 1424, C replaced by T.
Protein change: p.Ser475Phe; replaces serine 475 with phenylalanine.
Molecular consequence: missense variant. On other transcripts: intron variant (1).
Genome position (GRCh38, 1-based): chr18:34,848,373, C>T. VCF-style: chr18-34848373-C-T. GRCh37 (hg19) VCF-style: chr18-32428337-C-T.
Other names: c.1163C>T, p.Ser388Phe (NM_001198938.2, NM_001198939.2, NM_001198940.2 and 13 more transcripts); c.470C>T, p.Ser157Phe (NM_001198942.1); c.413C>T, p.Ser138Phe (NM_001198943.1); c.299C>T, p.Ser100Phe (NM_001198944.1); c.1253C>T, p.Ser418Phe (NM_001386754.1, NM_001386770.1, NM_001386755.1 and 5 more transcripts); c.1424C>T, p.Ser475Phe (NM_001386788.1); c.1343C>T, p.Ser448Phe (NM_001390.5, NM_001391.5); c.1172C>T, p.Ser391Phe (NM_032975.4, NM_032979.5, NM_001386761.1 and 1 more transcripts); and 4 more; short protein forms S100F, S138F, S157F, S388F, S391F, S418F, S445F, S448F.
Identifiers: ClinVar variation 3620738 (VCV003620738.2).

ClinVar aggregate classification (germline): Uncertain significance (1 of 4 stars; one submission).

Conditions:
Left ventricular noncompaction 1 (LVNC1). Also called: LEFT VENTRICULAR NONCOMPACTION 1 WITH OR WITHOUT CONGENITAL HEART DEFECTS. Identifiers: Orphanet 54260, MedGen C1858725, MONDO:0011403, OMIM 604169.

gnomAD v4.1: 4 of 1,613,812 alleles (0.00025%); highest among the groups gnomAD compares: African/African-American, 0.0053%; no homozygotes.

Submission:

Labcorp Genetics (formerly Invitae), Labcorp
Classification: Uncertain significance for Left ventricular noncompaction 1. Last evaluated: 2024-09-16. Review status: criteria provided, single submitter. Criteria: Invitae Variant Classification Sherloc (09022015). Collection method: clinical testing. Allele origin: germline.
Comment: This sequence change replaces serine, which is neutral and polar, with phenylalanine, which is neutral and non-polar, at codon 448 of the DTNA protein (p.Ser448Phe). This variant is present in population databases (rs147541731, gnomAD 0.008%). This variant has not been reported in the literature in individuals affected with DTNA-related conditions. An algorithm developed to predict the effect of missense changes on protein structure and function (PolyPhen-2) suggests that this variant is likely to be tolerated. In summary, the available evidence is currently insufficient to determine the role of this variant in disease. Therefore, it has been classified as a Variant of Uncertain Significance.